The following is an entry in ClinVar:

NM_002815.4(PSMD11):c.610C>A (p.Pro204Thr)

Gene: PSMD11 (proteasome 26S subunit, non-ATPase 11; plus strand). Cytogenetic location: 17q11.2.
Variant type: single nucleotide variant.
Coding change: c.610C>A on transcript NM_002815.4 (MANE Select); coding-DNA position 610, C replaced by A.
Protein change: p.Pro204Thr; replaces proline 204 with threonine.
Molecular consequence: missense variant.
Genome position (GRCh38, 1-based): chr17:32,469,160, C>A. VCF-style: chr17-32469160-C-A. GRCh37 (hg19) VCF-style: chr17-30796178-C-A.
Other names: c.610C>A, p.Pro204Thr (NM_001270482.2); short protein forms P204T.
Identifiers: ClinVar variation 5018191 (VCV005018191.1).

ClinVar aggregate classification (germline): Uncertain significance (1 of 4 stars; one submission).

Submission:

GeneDx
Classification: Uncertain significance. Last evaluated: 2026-04-06. Review status: criteria provided, single submitter. Criteria: GeneDx Variant Classification Process June 2021. Collection method: clinical testing. Allele origin: germline.
Comment: Not observed at significant frequency in large population cohorts (gnomAD); In silico analysis supports that this missense variant has a deleterious effect on protein structure/function; Has not been previously published as pathogenic or benign to our knowledge